The following is an entry in ClinVar:

ClinVar aggregate classification (germline): Uncertain significance. Review status: criteria provided, multiple submitters, no conflicts (2 of 4 stars). 2 submissions from 2 submitters: Uncertain significance (2). Last evaluated 2025-09-02.

Conditions:
Neuronal ceroid lipofuscinosis. Also called: Neuronal Ceroid Lipofuscinoses. Identifiers: Orphanet 216, Orphanet 79263, MedGen C0027877, MONDO:0016295. Disease mechanism: loss of function.

Allele frequency attached by ClinVar (database versions not stated): gnomAD exomes below 0.00001; TOPMed below 0.00001; gnomAD 0.00001.

Submissions (2):

Labcorp Genetics (formerly Invitae), Labcorp
Classification: Uncertain significance for Neuronal ceroid lipofuscinosis. Last evaluated: 2025-09-02. Review status: criteria provided, single submitter. Criteria: Invitae Variant Classification Sherloc (09022015). Collection method: clinical testing. Allele origin: germline.
Comment: This sequence change replaces cysteine, which is neutral and slightly polar, with tyrosine, which is neutral and polar, at codon 149 of the CLN8 protein (p.Cys149Tyr). This variant is present in population databases (no rsID available, gnomAD 0.007%). This variant has not been reported in the literature in individuals affected with CLN8-related conditions. ClinVar contains an entry for this variant (Variation ID: 2039600). Invitae Evidence Modeling of protein sequence and biophysical properties (such as structural, functional, and spatial information, amino acid conservation, physicochemical variation, residue mobility, and thermodynamic stability) indicates that this missense variant is not expected to disrupt CLN8 protein function with a negative predictive value of 95%. In summary, the available evidence is currently insufficient to determine the role of this variant in disease. Therefore, it has been classified as a Variant of Uncertain Significance.

GeneDx
Classification: Uncertain significance. Last evaluated: 2022-12-05. Review status: criteria provided, single submitter. Criteria: GeneDx Variant Classification Process June 2021. Collection method: clinical testing. Allele origin: germline. Affected: yes.
Comment: Not observed at significant frequency in large population cohorts (gnomAD); In silico analysis supports that this missense variant does not alter protein structure/function; Has not been previously published as pathogenic or benign to our knowledge

NM_018941.4(CLN8):c.446G>A (p.Cys149Tyr)

Gene: CLN8 (CLN8 transmembrane ER and ERGIC protein; plus strand). Cytogenetic location: 8p23.3.
Variant type: single nucleotide variant.
Coding change: c.446G>A on transcript NM_018941.4 (MANE Select); coding-DNA position 446, G replaced by A.
Protein change: p.Cys149Tyr; replaces cysteine 149 with tyrosine.
Molecular consequence: missense variant.
Genome position (GRCh38, 1-based): chr8:1,771,500, G>A. VCF-style: chr8-1771500-G-A. GRCh37 (hg19) VCF-style: chr8-1719666-G-A.
Other names: short protein forms C149Y.
Identifiers: ClinVar variation 2039600 (VCV002039600.3), dbSNP rs1443809710, ClinGen allele CA369953584.